The following is an entry in ClinVar:

ClinVar aggregate classification (germline): Uncertain significance (1 of 4 stars; one submission).

Conditions:
Hereditary cancer-predisposing syndrome. Also called: Neoplastic Syndromes, Hereditary; Tumor predisposition; Hereditary Cancer Syndrome; Hereditary neoplastic syndrome. Identifiers: Orphanet 140162, MedGen C0027672, MeSH D009386, MONDO:0015356.

Submission:

Ambry Genetics
Classification: Uncertain significance for Hereditary cancer-predisposing syndrome. Last evaluated: 2026-04-11. Review status: criteria provided, single submitter. Criteria: Ambry Variant Classification Scheme 2023. Collection method: clinical testing. Allele origin: germline.
Comment: The p.D334H variant (also known as c.1000G>C), located in coding exon 9 of the SMARCE1 gene, results from a G to C substitution at nucleotide position 1000. The aspartic acid at codon 334 is replaced by histidine, an amino acid with similar properties. This amino acid position is conserved. In addition, this alteration is predicted to be tolerated by in silico analysis. Based on the available evidence, the clinical significance of this variant remains unclear.

NM_003079.5(SMARCE1):c.1000G>C (p.Asp334His)

Gene: SMARCE1 (SWI/SNF related BAF chromatin remodeling complex subunit E1; minus strand). Cytogenetic location: 17q21.2.
Variant type: single nucleotide variant.
Coding change: c.1000G>C on transcript NM_003079.5 (MANE Select); coding-DNA position 1000, G replaced by C.
Protein change: p.Asp334His; replaces aspartic acid 334 with histidine.
Molecular consequence: missense variant.
Genome position (GRCh38, 1-based): chr17:40,630,741, C>G on the plus strand (G>C on the coding strand, the complement: SMARCE1 is on the minus strand). VCF-style: chr17-40630741-C-G. GRCh37 (hg19) VCF-style: chr17-38786993-C-G.
Other names: short protein forms D334H.
Identifiers: ClinVar variation 4864854 (VCV004864854.1).